The following is an entry in ClinVar:

ClinVar aggregate classification (germline): Pathogenic (1 of 4 stars; one submission).

Conditions:
Autosomal recessive congenital ichthyosis 1 (LI1). Also called: COLLODION FETUS; DESQUAMATION OF NEWBORN; ICHTHYOSIS CONGENITA; ICHTHYOSIS CONGENITA II; LAMELLAR EXFOLIATION OF NEWBORN; ICHTHYOSIS, CONGENITAL, AUTOSOMAL RECESSIVE 1, WITH BATHING SUIT DISTRIBUTION. Identifiers: MedGen C4551630, MONDO:0009441, OMIM 242300.

Submission:

Myriad Genetics, Inc.
Classification: Pathogenic for Autosomal recessive congenital ichthyosis 1. Last evaluated: 2026-02-12. Review status: criteria provided, single submitter. Criteria: Myriad Autosomal Dominant, Autosomal Recessive and X-Linked Classification Criteria (2023). Collection method: clinical testing. Allele origin: unknown.
Comment: NM_000359.2(TGM1):c.1717delC(R573Gfs*17) is expected to be pathogenic in the context of TGM1-related autosomal recessive congenital ichthyosis. This variant is predicted to lead to an abnormal or absent protein product due to the creation of a premature termination codon in TGM1, a gene where loss-of-function variants are known to be pathogenic. Please note: this variant was assessed in the context of healthy population screening.

NM_000359.3(TGM1):c.1717del (p.Arg573fs)

Gene: TGM1 (transglutaminase 1; minus strand). Cytogenetic location: 14q12.
Variant type: Deletion.
Coding change: c.1717del on transcript NM_000359.3 (MANE Select); coding-DNA position 1717, one base deleted (C; older notation c.1717delC).
Protein change: p.Arg573fs; shifts the reading frame from arginine 573.
Molecular consequence: frameshift variant.
Genome position (GRCh38, 1-based): chr14:24,255,182, G deleted on the plus strand (C on the coding strand, the reverse complement: TGM1 is on the minus strand); the first of 2 consecutive G bases (chr14:24,255,182-24,255,183); deleting either gives the same sequence. VCF-style (leftmost placement, unchanged base first): chr14-24255181-CG-C. GRCh37 (hg19) VCF-style: chr14-24724387-CG-C.
Other names: short protein forms R573fs.
Identifiers: ClinVar variation 5015544 (VCV005015544.1).